The following is an entry in ClinVar:

NM_004168.4(SDHA):c.351C>G (p.Asp117Glu)

Gene: SDHA (succinate dehydrogenase complex flavoprotein subunit A; plus strand). Cytogenetic location: 5p15.33.
Variant type: single nucleotide variant.
Coding change: c.351C>G on transcript NM_004168.4 (MANE Select); coding-DNA position 351, C replaced by G.
Protein change: p.Asp117Glu; replaces aspartic acid 117 with glutamic acid.
Molecular consequence: missense variant. On other transcripts: intron variant (1).
Genome position (GRCh38, 1-based): chr5:225,457, C>G. VCF-style: chr5-225457-C-G. GRCh37 (hg19) VCF-style: chr5-225572-C-G.
Other names: c.351C>G, p.Asp117Glu (NM_001330758.2); c.313-426C>G (NM_001294332.2); short protein forms D117E.
Identifiers: ClinVar variation 3316860 (VCV003316860.1).
Genomic context (GRCh38, chr5:225,457, plus strand): 5'-AAGGAGTGGTTGGTGTTTCCAGGGAGGAATCAATGCTGCTCTGGGGAACATGGAGGAGGA[C>G]AACTGGAGGTGGCATTTCTACGACACCGTGAAGGGCTCCGACTGGCTGGGGGACCAGGAT-3'
Protein context (NP_004159.2, residues 107-127): INAALGNMEE[Asp117Glu]NWRWHFYDTV

ClinVar aggregate classification (germline): Uncertain significance (1 of 4 stars; one submission).

Conditions:
Hereditary cancer-predisposing syndrome. Also called: Neoplastic Syndromes, Hereditary; Tumor predisposition; Hereditary neoplastic syndrome; Hereditary Cancer Syndrome. Identifiers: Orphanet 140162, MedGen C0027672, MeSH D009386, MONDO:0015356.

Submission:

Ambry Genetics
Classification: Uncertain significance for Hereditary cancer-predisposing syndrome. Last evaluated: 2024-06-23. Review status: criteria provided, single submitter. Criteria: Ambry Variant Classification Scheme 2023. Collection method: clinical testing. Allele origin: germline.
Comment: The p.D117E variant (also known as c.351C>G), located in coding exon 4 of the SDHA gene, results from a C to G substitution at nucleotide position 351. The aspartic acid at codon 117 is replaced by glutamic acid, an amino acid with highly similar properties. This amino acid position is conserved. In addition, this alteration is predicted to be deleterious by in silico analysis. Based on the available evidence, the clinical significance of this variant remains unclear.